The following is an entry in ClinVar:

NM_001267550.2(TTN):c.62546C>T (p.Thr20849Met)

Genes: TTN-AS1 (TTN antisense RNA 1; plus strand), TTN (titin; minus strand). Cytogenetic location: 2q31.2.
Variant type: single nucleotide variant.
Coding change: c.62546C>T on transcript NM_001267550.2 (MANE Select); coding-DNA position 62546, C replaced by T.
Protein change: p.Thr20849Met; replaces threonine 20849 with methionine.
Molecular consequence: missense variant.
Genome position (GRCh38, 1-based): chr2:178,589,179, G>A on the plus strand (C>T on the coding strand, the complement: TTN is on the minus strand). VCF-style: chr2-178589179-G-A. GRCh37 (hg19) VCF-style: chr2-179453906-G-A.
Other names: c.62546C>T (LRG_391t1); c.57623C>T, p.Thr19208Met (NM_001256850.1); c.35351C>T, p.Thr11784Met (NM_003319.4); c.54842C>T, p.Thr18281Met (NM_133378.4); c.35726C>T, p.Thr11909Met (NM_133432.3); c.35927C>T, p.Thr11976Met (NM_133437.4); short protein forms T20849M, T11784M, T11909M, T11976M, T19208M, T18281M.
Identifiers: ClinVar variation 448809 (VCV000448809.9), dbSNP rs372685222, ClinGen allele CA1992213.
Genomic context (GRCh38, chr2:178,589,179, plus strand): 5'-CTCACAGGACCAGGCTTATCTAAAACATTGACAGTGGCATAGGCCACAAAACTGCCAGCC[G>A]TGTTAGTTGCCGTAACTACATATTTACCCCCATCACTTCGCTTTGCTTTAGTAAGAGAAA-3'
Protein context (NP_001254479.2, residues 20839-20859): GGKYVVTATN[Thr20849Met]AGSFVAYATV

ClinVar aggregate classification (germline): Conflicting classifications of pathogenicity. Review status: criteria provided, conflicting classifications (1 of 4 stars). 6 submissions from 6 submitters: Uncertain significance (5); Likely benign (1). Last evaluated 2026-03-06.

Conditions:
TTN-related disorder. Also called: TTN-related condition; TTN-related disease; TTN-related disorders.
Autosomal recessive limb-girdle muscular dystrophy type 2J (LGMDR10). Also called: Limb-girdle muscular dystrophy, type 2J; MUSCULAR DYSTROPHY, LIMB-GIRDLE, AUTOSOMAL RECESSIVE 10. Identifiers: Orphanet 140922, MedGen C1837342, MONDO:0012127, OMIM 608807.
Dilated cardiomyopathy 1G (CMD1G). Identifiers: Orphanet 154, MedGen C1858763, MONDO:0011400, OMIM 604145.

Allele frequency attached by ClinVar (database versions not stated): gnomAD exomes 0.00002 and 0.00003; ExAC 0.00004; TOPMed 0.00007; ESP Exome Variant Server 0.00008; gnomAD 0.00009 and 0.00010.
gnomAD v4.1: 40 of 1,613,324 alleles (0.0025%); highest among the groups gnomAD compares: African/African-American, 0.02%; no homozygotes.

Submissions (6):

PreventionGenetics, part of Exact Sciences
Classification: Uncertain significance for TTN-related condition. Last evaluated: 2026-03-06. Review status: criteria provided, single submitter. Criteria: ACMG Guidelines, 2015. Collection method: clinical testing. Allele origin: germline.
Comment: The TTN c.62546C>T variant is predicted to result in the amino acid substitution p.Thr20849Met. This variant has been reported as a variant of uncertain significance in a cohort of individuals with noncompaction cardiomyopathy (Online Table 3, van Waning et al. 2018. PubMed ID: 29447731). This variant is reported in 0.021% of alleles in individuals of African descent in gnomAD. At this time, the clinical significance of this variant is uncertain due to the absence of conclusive functional and genetic evidence.

Molecular Diagnostic Laboratory for Inherited Cardiovascular Disease, Montreal Heart Institute
Classification: Likely benign. Last evaluated: 2025-04-09. Review status: criteria provided, single submitter. Criteria: ACMG Guidelines, 2015. Collection method: clinical testing. Allele origin: germline. Affected: no.
Comment: BP1

Women's Health and Genetics/Laboratory Corporation of America, LabCorp
Classification: Uncertain significance. Last evaluated: 2024-12-20. Review status: criteria provided, single submitter. Criteria: LabCorp Variant Classification Summary - May 2015. Collection method: clinical testing. Allele origin: germline.
Comment: Variant summary: TTN c.54842C>T (p.Thr18281Met) results in a non-conservative amino acid change in the encoded protein sequence. Two of four in-silico tools predict a benign effect of the variant on protein function. The variant allele was found at a frequency of 3.2e-05 in 248514 control chromosomes. The available data on variant occurrences in the general population are insufficient to allow any conclusion about variant significance. c.54842C>T has been reported in the literature in individuals affected with noncompaction cardiomyopathy (van Waning_2018). These report(s) do not provide unequivocal conclusions about association of the variant with Dilated Cardiomyopathy. To our knowledge, no experimental evidence demonstrating an impact on protein function has been reported. The following publication has been ascertained in the context of this evaluation (PMID: 29447731). ClinVar contains an entry for this variant (Variation ID: 448809). Based on the evidence outlined above, the variant was classified as uncertain significance.

Revvity Omics, Revvity
Classification: Uncertain significance. Last evaluated: 2020-08-20. Review status: criteria provided, single submitter. Criteria: ACMG Guidelines, 2015. Collection method: clinical testing. Allele origin: germline.

Labcorp Genetics (formerly Invitae), Labcorp
Classification: Uncertain significance for Dilated cardiomyopathy 1G; Autosomal recessive limb-girdle muscular dystrophy type 2J. Last evaluated: 2017-06-06. Review status: criteria provided, single submitter. Criteria: Invitae Variant Classification Sherloc (09022015). Collection method: clinical testing. Allele origin: germline.

Athena Diagnostics
Classification: Uncertain significance. Last evaluated: 2017-02-10. Review status: criteria provided, single submitter. Criteria: Athena Diagnostics Criteria. Collection method: clinical testing. Allele origin: germline.

Literature cited by the submitters: PubMed 29447731 (cited by Women's Health and Genetics/Laboratory Corporation of America, LabCorp).